The following is an entry in ClinVar:

ClinVar aggregate classification (germline): Uncertain significance. Review status: criteria provided, multiple submitters, no conflicts (2 of 4 stars). 4 submissions from 4 submitters: Uncertain significance (4). Last evaluated 2024-08-01.

Conditions:
Familial cold autoinflammatory syndrome 2 (FCAS2). Identifiers: Orphanet 247868, MedGen C2673198, MONDO:0012724, OMIM 611762.

Allele frequency attached by ClinVar (database versions not stated): gnomAD exomes 0.00001; ESP Exome Variant Server 0.00008.
gnomAD v4.1: 10 of 1,614,130 alleles (0.00062%); highest among the groups gnomAD compares: Middle Eastern, 0.033%; no homozygotes.

Submissions (4):

CeGaT Center for Human Genetics Tuebingen
Classification: Uncertain significance. Last evaluated: 2024-08-01. Review status: criteria provided, single submitter. Criteria: CeGaT Center For Human Genetics Tuebingen Variant Classification Criteria Version 2. Collection method: clinical testing. Allele origin: germline. Affected: yes. Observed: 1 variant allele.
Comment: NLRP12: PM2, PP3

Labcorp Genetics (formerly Invitae), Labcorp
Classification: Uncertain significance for Familial cold autoinflammatory syndrome 2. Last evaluated: 2024-02-08. Review status: criteria provided, single submitter. Criteria: Invitae Variant Classification Sherloc (09022015). Collection method: clinical testing. Allele origin: germline.
Comment: This sequence change replaces asparagine, which is neutral and polar, with lysine, which is basic and polar, at codon 152 of the NLRP12 protein (p.Asn152Lys). This variant is present in population databases (rs374197946, gnomAD 0.0009%). This variant has not been reported in the literature in individuals affected with NLRP12-related conditions. ClinVar contains an entry for this variant (Variation ID: 892567). Advanced modeling of protein sequence and biophysical properties (such as structural, functional, and spatial information, amino acid conservation, physicochemical variation, residue mobility, and thermodynamic stability) performed at Invitae indicates that this missense variant is not expected to disrupt NLRP12 protein function with a negative predictive value of 80%. In summary, the available evidence is currently insufficient to determine the role of this variant in disease. Therefore, it has been classified as a Variant of Uncertain Significance.

Blueprint Genetics
Classification: Uncertain significance. Last evaluated: 2023-10-06. Review status: criteria provided, single submitter. Criteria: ACMG Guidelines, 2015. Collection method: clinical testing. Allele origin: germline.

Illumina Laboratory Services, Illumina
Classification: Uncertain significance for Familial cold autoinflammatory syndrome 2. Last evaluated: 2018-01-13. Review status: criteria provided, single submitter. Criteria: ICSL Variant Classification Criteria 13 December 2019. Collection method: clinical testing. Allele origin: germline.

NM_144687.4(NLRP12):c.456C>A (p.Asn152Lys)

Gene: NLRP12 (NLR family pyrin domain containing 12; minus strand). Cytogenetic location: 19q13.42.
Variant type: single nucleotide variant.
Coding change: c.456C>A on transcript NM_144687.4 (MANE Select); coding-DNA position 456, C replaced by A.
Protein change: p.Asn152Lys; replaces asparagine 152 with lysine.
Molecular consequence: missense variant.
Genome position (GRCh38, 1-based): chr19:53,811,203, G>T on the plus strand (C>A on the coding strand, the complement: NLRP12 is on the minus strand). VCF-style: chr19-53811203-G-T. GRCh37 (hg19) VCF-style: chr19-54314457-G-T.
Other names: c.456C>A, p.Asn152Lys (NM_001277126.2, NM_001277129.1); short protein forms N152K.
Identifiers: ClinVar variation 892567 (VCV000892567.29), dbSNP rs374197946, ClinGen allele CA310071355.